The following is an entry in ClinVar:

NM_004168.4(SDHA):c.456+3G>T

Gene: SDHA (succinate dehydrogenase complex flavoprotein subunit A; plus strand). Cytogenetic location: 5p15.33.
Variant type: single nucleotide variant.
Coding change: c.456+3G>T on transcript NM_004168.4 (MANE Select); 3 bases into the intron after coding-DNA position 456, G replaced by T.
Molecular consequence: intron variant.
Genome position (GRCh38, 1-based): chr5:225,565, G>T. VCF-style: chr5-225565-G-T. GRCh37 (hg19) VCF-style: chr5-225680-G-T.
Other names: c.456+3G>T (NM_001330758.2, NM_004168.2); c.313-318G>T (NM_001294332.2).
Identifiers: ClinVar variation 848703 (VCV000848703.13), dbSNP rs1362754028, ClinGen allele CA557397542.

ClinVar aggregate classification (germline): Uncertain significance. Review status: criteria provided, multiple submitters, no conflicts (2 of 4 stars). 2 submissions from 2 submitters: Uncertain significance (2). Last evaluated 2025-07-21.

Conditions:
Pheochromocytoma/paraganglioma syndrome 5. Also called: Paragangliomas 5; SDHA-Related Hereditary Paraganglioma-Pheochromocytoma Syndrome. Identifiers: Orphanet 29072, MedGen C3279992, MONDO:0013602, OMIM 614165.
Mitochondrial complex II deficiency, nuclear type 1. Also called: SUCCINATE CoQ REDUCTASE DEFICIENCY. Identifiers: Orphanet 3208, MedGen C5700310, MONDO:0100294, OMIM 252011.
Hereditary cancer-predisposing syndrome. Also called: Tumor predisposition; Hereditary neoplastic syndrome; Neoplastic Syndromes, Hereditary; Hereditary Cancer Syndrome. Identifiers: Orphanet 140162, MedGen C0027672, MeSH D009386, MONDO:0015356.

Allele frequency attached by ClinVar (database versions not stated): gnomAD exomes below 0.00001.
gnomAD v4.1: 1 of 1,613,912 alleles (0.000062%); no homozygotes.

Submissions (2):

Ambry Genetics
Classification: Uncertain significance for Hereditary cancer-predisposing syndrome. Last evaluated: 2025-07-21. Review status: criteria provided, single submitter. Criteria: Ambry Variant Classification Scheme 2023. Collection method: clinical testing. Allele origin: germline.
Comment: The c.456+3G>T intronic variant results from a G to T substitution 3 nucleotides after coding exon 4 in the SDHA gene. This nucleotide position is poorly conserved in available vertebrate species. In silico splice site analysis predicts that this alteration may weaken the native splice donor site; however, direct evidence is insufficient at this time (Ambry internal data). Based on the available evidence, the clinical significance of this variant remains unclear.

Labcorp Genetics (formerly Invitae), Labcorp
Classification: Uncertain significance for Pheochromocytoma/paraganglioma syndrome 5; Mitochondrial complex II deficiency, nuclear type 1. Last evaluated: 2019-12-17. Review status: criteria provided, single submitter. Criteria: Invitae Variant Classification Sherloc (09022015). Collection method: clinical testing. Allele origin: germline.
Comment: This sequence change falls in intron 4 of the SDHA gene. It does not directly change the encoded amino acid sequence of the SDHA protein, but it affects a nucleotide within the consensus splice site of the intron. This variant is not present in population databases (ExAC no frequency). This variant has not been reported in the literature in individuals with SDHA-related conditions. Nucleotide substitutions within the consensus splice site are a relatively common cause of aberrant splicing (PMID: 17576681, 9536098). Algorithms developed to predict the effect of sequence changes on RNA splicing suggest that this variant may disrupt the consensus splice site, but this prediction has not been confirmed by published transcriptional studies. In summary, the available evidence is currently insufficient to determine the role of this variant in disease. Therefore, it has been classified as a Variant of Uncertain Significance.

Literature cited by the submitters: PubMed 17576681 (cited by Labcorp Genetics (formerly Invitae), Labcorp); PubMed 9536098 (cited by Labcorp Genetics (formerly Invitae), Labcorp).